The following is an entry in ClinVar:

NM_007194.4(CHEK2):c.847-19T>C

Gene: CHEK2 (checkpoint kinase 2; minus strand). Cytogenetic location: 22q12.1.
Variant type: single nucleotide variant.
Coding change: c.847-19T>C on transcript NM_007194.4 (MANE Select); 19 bases into the intron before coding-DNA position 847, T replaced by C.
Molecular consequence: intron variant.
Genome position (GRCh38, 1-based): chr22:28,703,585, A>G on the plus strand (T>C on the coding strand, the complement: CHEK2 is on the minus strand). VCF-style: chr22-28703585-A-G. GRCh37 (hg19) VCF-style: chr22-29099573-A-G.
Other names: c.184-19T>C (NM_001437942.1, NM_001257387.3); c.646-19T>C (NM_001349956.3); c.847-19T>C (NM_145862.3); c.940-19T>C (NM_001438295.1, NM_001438293.1); c.976-19T>C (NM_001438294.1, NM_001005735.3).
Identifiers: ClinVar variation 3773638 (VCV003773638.1).

ClinVar aggregate classification (germline): Likely benign (1 of 4 stars; one submission).

Conditions:
Familial cancer of breast. Also called: Hereditary breast cancer; BREAST CANCER, FAMILIAL; hereditary breast carcinoma. Identifiers: Orphanet 227535, MedGen C0346153, MONDO:0016419, OMIM 114480. Disease mechanism: loss of function.

Submission:

Myriad Genetics, Inc.
Classification: Likely benign for Familial cancer of breast. Last evaluated: 2024-10-03. Review status: criteria provided, single submitter. Criteria: Myriad Autosomal Dominant, Autosomal Recessive and X-Linked Classification Criteria (2023). Collection method: clinical testing. Allele origin: unknown.
Comment: This variant is considered likely benign. This variant is intronic and is not expected to impact mRNA splicing.